The following is an entry in ClinVar:

NM_001130987.2(DYSF):c.1002+1G>C

Gene: DYSF (dysferlin; plus strand). Cytogenetic location: 2p13.2.
Variant type: single nucleotide variant.
Coding change: c.1002+1G>C on transcript NM_001130987.2 (MANE Select); the canonical splice donor site of the intron after coding-DNA position 1002, G replaced by C.
Molecular consequence: splice donor variant.
Genome position (GRCh38, 1-based): chr2:71,517,040, G>C. VCF-style: chr2-71517040-G-C. GRCh37 (hg19) VCF-style: chr2-71744170-G-C.
Other names: c.999+1G>C (NM_001130979.2, NM_001130981.2, NM_001130980.2); c.906+1G>C (NM_001130978.2, NM_003494.4, NM_001130977.2 and 1 more transcripts); c.1002+1G>C (NM_001130982.2, NM_001130985.2); c.909+1G>C (NM_001130983.2, NM_001130455.2, NM_001130984.2 and 1 more transcripts).
Identifiers: ClinVar variation 3380930 (VCV003380930.1).
Genomic context (GRCh38, chr2:71,517,040, plus strand): 5'-TCTCTGCAGGTGGTAGACTCTCGTTCTCTCAGGACAGATGCTCTCCTCGGGGAGTTCCGG[G>C]TAATTGCTTATTTTCTATGAAAGCAGTCAGTTCTCACTTCTCCGTGTTGGTGGAGCCTCT-3'

ClinVar aggregate classification (germline): Likely pathogenic (1 of 4 stars; one submission).

Submission:

Mayo Clinic Laboratories, Mayo Clinic
Classification: Likely pathogenic. Last evaluated: 2024-08-28. Review status: criteria provided, single submitter. Criteria: ACMG Guidelines, 2015. Collection method: clinical testing. Allele origin: germline. Observed: 2 variant alleles.
Comment: PM2, PVS1